The following is an entry in ClinVar:

ClinVar aggregate classification (germline): Uncertain significance (1 of 4 stars; one submission).

gnomAD v4.1: 1 of 1,611,980 alleles (0.000062%); highest among the groups gnomAD compares: Admixed American, 0.0017%; no homozygotes.

Submission:

GeneDx
Classification: Uncertain significance. Last evaluated: 2023-06-17. Review status: criteria provided, single submitter. Criteria: GeneDx Variant Classification Process June 2021. Collection method: clinical testing. Allele origin: germline. Affected: yes.
Comment: Not observed at significant frequency in large population cohorts (gnomAD); In silico analysis supports that this missense variant does not alter protein structure/function; Has not been previously published as pathogenic or benign to our knowledge

NM_001348323.3(TRIP12):c.4724C>T (p.Thr1575Ile)

Gene: TRIP12 (thyroid hormone receptor interactor 12; minus strand). Cytogenetic location: 2q36.3.
Variant type: single nucleotide variant.
Coding change: c.4724C>T on transcript NM_001348323.3 (MANE Select); coding-DNA position 4724, C replaced by T.
Protein change: p.Thr1575Ile; replaces threonine 1575 with isoleucine.
Molecular consequence: missense variant.
Genome position (GRCh38, 1-based): chr2:229,788,912, G>A on the plus strand (C>T on the coding strand, the complement: TRIP12 is on the minus strand). VCF-style: chr2-229788912-G-A. GRCh37 (hg19) VCF-style: chr2-230653628-G-A.
Other names: c.4643C>T, p.Thr1548Ile (NM_001284214.2, NM_001348315.2); c.4598C>T, p.Thr1533Ile (NM_001284215.2, NM_001348316.2); c.3689C>T, p.Thr1230Ile (NM_001284216.2); c.4583C>T, p.Thr1528Ile (NM_001348317.1, NM_001348318.2); c.4709C>T, p.Thr1570Ile (NM_001348319.1, NM_001348320.2); c.4712C>T, p.Thr1571Ile (NM_001348321.1); c.4724C>T, p.Thr1575Ile (NM_001348322.1, NM_001348324.2, NM_001348325.2 and 2 more transcripts); c.4727C>T, p.Thr1576Ile (NM_001348328.1, NM_001348329.2, NM_001348330.2); and 4 more; short protein forms T1230I, T1500I, T1501I, T1528I, T1533I, T1541I, T1548I, T1549I.
Identifiers: ClinVar variation 3359542 (VCV003359542.1).